The following is an entry in ClinVar:

NM_000526.5(KRT14):c.324T>A (p.Asp108Glu)

Gene: KRT14 (keratin 14; minus strand). Cytogenetic location: 17q21.2.
Variant type: single nucleotide variant.
Coding change: c.324T>A on transcript NM_000526.5 (MANE Select); coding-DNA position 324, T replaced by A.
Protein change: p.Asp108Glu; replaces aspartic acid 108 with glutamic acid.
Molecular consequence: missense variant.
Genome position (GRCh38, 1-based): chr17:41,586,511, A>T on the plus strand (T>A on the coding strand, the complement: KRT14 is on the minus strand). VCF-style: chr17-41586511-A-T. GRCh37 (hg19) VCF-style: chr17-39742763-A-T.
Other names: short protein forms D108E.
Identifiers: ClinVar variation 3015324 (VCV003015324.3), dbSNP rs773422606, ClinGen allele CA8562742.
Genomic context (GRCh38, chr17:41,586,511, plus strand): 5'-GGAGGCCAGGCGGTCATTGAGGTTCTGCATGGTCACCTTCTCACTGCCCACCAGAAGCCC[A>T]TCACCACCAGCAAAGCCACCACCAAAGCCACCACCCAAGCCAGCACCAAGGCCACCACCA-3'
Protein context (NP_000517.3, residues 98-118): GGFGGGFAGG[Asp108Glu]GLLVGSEKVT

ClinVar aggregate classification (germline): Uncertain significance (1 of 4 stars; one submission).

Submission:

Labcorp Genetics (formerly Invitae), Labcorp
Classification: Uncertain significance. Last evaluated: 2022-11-18. Review status: criteria provided, single submitter. Criteria: Invitae Variant Classification Sherloc (09022015). Collection method: clinical testing. Allele origin: germline.
Comment: This sequence change replaces aspartic acid, which is acidic and polar, with glutamic acid, which is acidic and polar, at codon 108 of the KRT14 protein (p.Asp108Glu). In summary, the available evidence is currently insufficient to determine the role of this variant in disease. Therefore, it has been classified as a Variant of Uncertain Significance. Advanced modeling of protein sequence and biophysical properties (such as structural, functional, and spatial information, amino acid conservation, physicochemical variation, residue mobility, and thermodynamic stability) performed at Invitae indicates that this missense variant is not expected to disrupt KRT14 protein function. This variant has not been reported in the literature in individuals affected with KRT14-related conditions. This variant is present in population databases (rs773422606, gnomAD 0.003%).